The following is an entry in ClinVar:

ClinVar aggregate classification (germline): Uncertain significance. Review status: criteria provided, multiple submitters, no conflicts (2 of 4 stars). 2 submissions from 2 submitters: Uncertain significance (2). Last evaluated 2025-12-22.

Conditions:
Inborn genetic diseases. Identifiers: MedGen C0950123, MeSH D030342.

Allele frequency attached by ClinVar (database versions not stated): gnomAD exomes below 0.00001; TOPMed below 0.00001; gnomAD 0.00001.

Submissions (2):

Ambry Genetics
Classification: Uncertain significance for Inborn genetic diseases. Last evaluated: 2025-12-22. Review status: criteria provided, single submitter. Criteria: Ambry Variant Classification Scheme 2023. Collection method: clinical testing. Allele origin: germline.

Labcorp Genetics (formerly Invitae), Labcorp
Classification: Uncertain significance. Last evaluated: 2023-10-11. Review status: criteria provided, single submitter. Criteria: Invitae Variant Classification Sherloc (09022015). Collection method: clinical testing. Allele origin: germline.
Comment: This sequence change replaces methionine, which is neutral and non-polar, with isoleucine, which is neutral and non-polar, at codon 171 of the ZIC1 protein (p.Met171Ile). This variant is present in population databases (no rsID available, gnomAD 0.01%). This variant has not been reported in the literature in individuals affected with ZIC1-related conditions. Advanced modeling of protein sequence and biophysical properties (such as structural, functional, and spatial information, amino acid conservation, physicochemical variation, residue mobility, and thermodynamic stability) performed at Invitae indicates that this missense variant is not expected to disrupt ZIC1 protein function. In summary, the available evidence is currently insufficient to determine the role of this variant in disease. Therefore, it has been classified as a Variant of Uncertain Significance.

NM_003412.4(ZIC1):c.513G>A (p.Met171Ile)

Gene: ZIC1 (Zic family zinc finger 1; plus strand). Cytogenetic location: 3q24.
Variant type: single nucleotide variant.
Coding change: c.513G>A on transcript NM_003412.4 (MANE Select); coding-DNA position 513, G replaced by A.
Protein change: p.Met171Ile; replaces methionine 171 with isoleucine.
Molecular consequence: missense variant.
Genome position (GRCh38, 1-based): chr3:147,410,625, G>A. VCF-style: chr3-147410625-G-A. GRCh37 (hg19) VCF-style: chr3-147128412-G-A.
Other names: c.513G>A (NM_003412.3); short protein forms M171I.
Identifiers: ClinVar variation 2737689 (VCV002737689.4), dbSNP rs913782624, ClinGen allele CA84580443.
Genomic context (GRCh38, chr3:147,410,625, plus strand): 5'-CGGCCACGCGTCGCCTAACGTGGTCAACGGGCAGATGAGGCTCGGCTTCTCGGGGGACAT[G>A]TACCCGCGACCGGAGCAGTACGGCCAGGTGACCAGCCCGCGTTCGGAGCACTATGCTGCG-3'
Protein context (NP_003403.2, residues 161-181): GQMRLGFSGD[Met171Ile]YPRPEQYGQV